The following is an entry in ClinVar:

NM_006766.5(KAT6A):c.3004C>A (p.Pro1002Thr)

Gene: KAT6A (lysine acetyltransferase 6A; minus strand). Cytogenetic location: 8p11.21.
Variant type: single nucleotide variant.
Coding change: c.3004C>A on transcript NM_006766.5 (MANE Select); coding-DNA position 3004, C replaced by A.
Protein change: p.Pro1002Thr; replaces proline 1002 with threonine.
Molecular consequence: missense variant.
Genome position (GRCh38, 1-based): chr8:41,940,877, G>T on the plus strand (C>A on the coding strand, the complement: KAT6A is on the minus strand). VCF-style: chr8-41940877-G-T. GRCh37 (hg19) VCF-style: chr8-41798395-G-T.
Other names: short protein forms P1002T.
Identifiers: ClinVar variation 2862832 (VCV002862832.3), dbSNP rs1264177701, ClinGen allele CA371071200.

ClinVar aggregate classification (germline): Uncertain significance (1 of 4 stars; one submission).

Allele frequency attached by ClinVar (database versions not stated): gnomAD 0.00001; gnomAD exomes 0.00002.
gnomAD v4.1: 17 of 1,613,104 alleles (0.0011%); highest among the groups gnomAD compares: Non-Finnish European, 0.00017%; no homozygotes.

Submission:

Labcorp Genetics (formerly Invitae), Labcorp
Classification: Uncertain significance. Last evaluated: 2023-06-08. Review status: criteria provided, single submitter. Criteria: Invitae Variant Classification Sherloc (09022015). Collection method: clinical testing. Allele origin: germline.
Comment: This sequence change replaces proline, which is neutral and non-polar, with threonine, which is neutral and polar, at codon 1002 of the KAT6A protein (p.Pro1002Thr). Advanced modeling of protein sequence and biophysical properties (such as structural, functional, and spatial information, amino acid conservation, physicochemical variation, residue mobility, and thermodynamic stability) performed at Invitae indicates that this missense variant is not expected to disrupt KAT6A protein function. In summary, the available evidence is currently insufficient to determine the role of this variant in disease. Therefore, it has been classified as a Variant of Uncertain Significance. This variant is not present in population databases (gnomAD no frequency). This variant has not been reported in the literature in individuals affected with KAT6A-related conditions.